The following is an entry in ClinVar:

NM_006158.5(NEFL):c.334G>A (p.Glu112Lys)

Gene: NEFL (neurofilament light chain; minus strand). Cytogenetic location: 8p21.2.
Variant type: single nucleotide variant.
Coding change: c.334G>A on transcript NM_006158.5 (MANE Select); coding-DNA position 334, G replaced by A.
Protein change: p.Glu112Lys; replaces glutamic acid 112 with lysine.
Molecular consequence: missense variant.
Genome position (GRCh38, 1-based): chr8:24,956,182, C>T on the plus strand (G>A on the coding strand, the complement: NEFL is on the minus strand). VCF-style: chr8-24956182-C-T. GRCh37 (hg19) VCF-style: chr8-24813696-C-T.
Other names: short protein forms E112K.
Identifiers: ClinVar variation 1493463 (VCV001493463.6), dbSNP rs2117255452, ClinGen allele CA370622755.

ClinVar aggregate classification (germline): Uncertain significance (1 of 4 stars; one submission).

Conditions:
Charcot-Marie-Tooth disease type 2E (CMT2E). Also called: CHARCOT-MARIE-TOOTH DISEASE, AXONAL, TYPE 2E; CHARCOT-MARIE-TOOTH NEUROPATHY, TYPE 2E. Identifiers: Orphanet 99939, MedGen C1843225, MONDO:0011894, OMIM 607684.

Submission:

Labcorp Genetics (formerly Invitae), Labcorp
Classification: Uncertain significance for Charcot-Marie-Tooth disease type 2E. Last evaluated: 2021-05-31. Review status: criteria provided, single submitter. Criteria: Invitae Variant Classification Sherloc (09022015). Collection method: clinical testing. Allele origin: germline.
Comment: This variant has not been reported in the literature in individuals with NEFL-related conditions. This variant is not present in population databases (ExAC no frequency). This sequence change replaces glutamic acid with lysine at codon 112 of the NEFL protein (p.Glu112Lys). The glutamic acid residue is highly conserved and there is a small physicochemical difference between glutamic acid and lysine. Experimental studies and prediction algorithms are not available or were not evaluated, and the functional significance of this variant is currently unknown. In summary, the available evidence is currently insufficient to determine the role of this variant in disease. Therefore, it has been classified as a Variant of Uncertain Significance.